The following is an entry in ClinVar:

NM_000321.3(RB1):c.-118G>T

Gene: RB1 (RB transcriptional corepressor 1; plus strand). Cytogenetic location: 13q14.2.
Variant type: single nucleotide variant.
Coding change: c.-118G>T on transcript NM_000321.3 (MANE Select); 118 bases upstream of the start codon, G replaced by T.
Molecular consequence: 5 prime UTR variant.
Genome position (GRCh38, 1-based): chr13:48,303,795, G>T. VCF-style: chr13-48303795-G-T. GRCh37 (hg19) VCF-style: chr13-48877931-G-T.
Other names: c.-118G>T (NM_001407165.1, NM_001407166.1, NM_001407167.1).
Identifiers: ClinVar variation 3625378 (VCV003625378.2).

ClinVar aggregate classification (germline): Uncertain significance (1 of 4 stars; one submission).

Conditions:
Retinoblastoma (RB1). Also called: RETINOBLASTOMA, SOMATIC. Identifiers: Orphanet 790, MedGen C0035335, MeSH D012175, MONDO:0008380, OMIM 180200, HP:0009919. Disease mechanism: loss of function. Inheritance: Both sporadic and heritable forms are tested..

gnomAD v4.1: 4 of 1,420,390 alleles (0.00028%); highest among the groups gnomAD compares: Non-Finnish European, 0.00037%; no homozygotes.

Submission:

Labcorp Genetics (formerly Invitae), Labcorp
Classification: Uncertain significance for Retinoblastoma. Last evaluated: 2024-11-17. Review status: criteria provided, single submitter. Criteria: Invitae Variant Classification Sherloc (09022015). Collection method: clinical testing. Allele origin: germline.
Comment: This variant occurs in a non-coding region of the RB1 gene. It does not change the encoded amino acid sequence of the RB1 protein. This variant is not present in population databases (gnomAD no frequency). This variant has not been reported in the literature in individuals affected with RB1-related conditions. In summary, the available evidence is currently insufficient to determine the role of this variant in disease. Therefore, it has been classified as a Variant of Uncertain Significance.